The following is an entry in ClinVar:

NM_003072.5(SMARCA4):c.731C>T (p.Pro244Leu)

Gene: SMARCA4 (SWI/SNF related BAF chromatin remodeling complex subunit ATPase 4; plus strand). Cytogenetic location: 19p13.2.
Variant type: single nucleotide variant.
Coding change: c.731C>T on transcript NM_003072.5 (MANE Select); coding-DNA position 731, C replaced by T.
Protein change: p.Pro244Leu; replaces proline 244 with leucine.
Molecular consequence: missense variant. On other transcripts: non-coding transcript variant (1).
Genome position (GRCh38, 1-based): chr19:10,986,564, C>T. VCF-style: chr19-10986564-C-T. GRCh37 (hg19) VCF-style: chr19-11097240-C-T.
Other names: c.731C>T, p.Pro244Leu (NM_001128844.3, NM_001128845.2, NM_001128846.2 and 5 more transcripts); c.731C>T (NM_001128849.2); short protein forms P244L.
Identifiers: ClinVar variation 135252 (VCV000135252.23), dbSNP rs587778683, ClinGen allele CA162149.

ClinVar aggregate classification (germline): Conflicting classifications of pathogenicity. Review status: criteria provided, conflicting classifications (1 of 4 stars). 10 submissions from 10 submitters: Uncertain significance (8); Likely benign (1). 1 of the submissions does not count toward it. Last evaluated 2025-08-26.

Conditions:
SMARCA4-related disorder. Also called: SMARCA4-related condition.
Hereditary cancer-predisposing syndrome. Also called: Tumor predisposition; Hereditary neoplastic syndrome; Neoplastic Syndromes, Hereditary; Hereditary Cancer Syndrome. Identifiers: Orphanet 140162, MedGen C0027672, MeSH D009386, MONDO:0015356.
Rhabdoid tumor predisposition syndrome 2 (RTPS2). Identifiers: Orphanet 231108, Orphanet 69077, MedGen C2750074, MONDO:0013224, OMIM 613325.
Intellectual disability, autosomal dominant 16 (CSS4). Also called: COFFIN-SIRIS SYNDROME 4. Identifiers: Orphanet 1465, MedGen C3553249, MONDO:0013821, OMIM 614609.

Allele frequency attached by ClinVar (database versions not stated): TOPMed below 0.00001; gnomAD exomes 0.00001; ExAC 0.00009.
gnomAD v4.1: 16 of 1,537,670 alleles (0.001%); highest among the groups gnomAD compares: East Asian, 0.0024%; no homozygotes.

Submissions (10):

Quest Diagnostics Nichols Institute San Juan Capistrano
Classification: Uncertain significance. Last evaluated: 2025-08-26. Review status: criteria provided, single submitter. Criteria: Quest Diagnostics criteria. Collection method: clinical testing. Allele origin: unknown.
Comment: The SMARCA4 c.731C>T (p.Pro244Leu) variant has been identified in reportedly unaffected individuals (PMID: 24728327 (2014)) in the published literature. The frequency of this variant in the general population (Genome Aggregation Database) is uninformative in the assessment of its pathogenicity. Analysis of this variant using bioinformatics tools for the prediction of the effect of amino acid changes on protein structure and function yielded conflicting predictions that this variant is benign or damaging. Based on the available information, we are unable to determine the clinical significance of this variant.

Labcorp Genetics (formerly Invitae), Labcorp
Classification: Uncertain significance for Rhabdoid tumor predisposition syndrome 2. Last evaluated: 2025-07-08. Review status: criteria provided, single submitter. Criteria: Invitae Variant Classification Sherloc (09022015). Collection method: clinical testing. Allele origin: germline.
Comment: This sequence change replaces proline, which is neutral and non-polar, with leucine, which is neutral and non-polar, at codon 244 of the SMARCA4 protein (p.Pro244Leu). The frequency data for this variant in the population databases is considered unreliable, as metrics indicate poor data quality at this position in the gnomAD database. This variant has not been reported in the literature in individuals affected with SMARCA4-related conditions. ClinVar contains an entry for this variant (Variation ID: 135252). Invitae Evidence Modeling of protein sequence and biophysical properties (such as structural, functional, and spatial information, amino acid conservation, physicochemical variation, residue mobility, and thermodynamic stability) has been performed for this missense variant. However, the output from this modeling did not meet the statistical confidence thresholds required to predict the impact of this variant on SMARCA4 protein function. In summary, the available evidence is currently insufficient to determine the role of this variant in disease. Therefore, it has been classified as a Variant of Uncertain Significance.

Baylor Genetics
Classification: Uncertain significance for Rhabdoid tumor predisposition syndrome 2. Last evaluated: 2024-03-09. Review status: criteria provided, single submitter. Criteria: ACMG Guidelines, 2015. Collection method: clinical testing. Allele origin: unknown.

PreventionGenetics, part of Exact Sciences
Classification: Uncertain significance for SMARCA4-related condition. Last evaluated: 2022-09-27. Review status: criteria provided, single submitter. Criteria: ACMG Guidelines, 2015. Collection method: clinical testing. Allele origin: germline.
Comment: The SMARCA4 c.731C>T variant is predicted to result in the amino acid substitution p.Pro244Leu. To our knowledge, this variant has not been reported in the literature. This variant is reported in 0.0045% of alleles in individuals of South Asian descent in gnomAD. At this time, the clinical significance of this variant is uncertain due to the absence of conclusive functional and genetic evidence.

Ambry Genetics
Classification: Likely benign for Hereditary cancer-predisposing syndrome. Last evaluated: 2021-10-26. Review status: criteria provided, single submitter. Criteria: Ambry Variant Classification Scheme 2023. Collection method: clinical testing. Allele origin: germline.

Fulgent Genetics
Classification: Uncertain significance for Rhabdoid tumor predisposition syndrome 2; Intellectual disability, autosomal dominant 16. Last evaluated: 2021-09-27. Review status: criteria provided, single submitter. Criteria: ACMG Guidelines, 2015. Collection method: clinical testing. Allele origin: unknown.

Genome-Nilou Lab
Classification: Uncertain significance for Intellectual disability, autosomal dominant 16. Last evaluated: 2021-07-15. Review status: criteria provided, single submitter. Criteria: ACMG Guidelines, 2015. Collection method: clinical testing. Allele origin: germline. Affected: no.

Sema4
Classification: Uncertain significance for Hereditary cancer-predisposing syndrome. Last evaluated: 2021-05-17. Review status: criteria provided, single submitter. Criteria: Sema4 Curation Guidelines. Collection method: curation. Allele origin: germline.
Comment: The SMARCA4 c.731C>T (p.P244L) variant has not been reported in the literature to our knowledge. It was observed in 1/22422 chromosomes of the South Asian subpopulation in the large and broad cohorts of the Genome Aggregation Database. The variant has been reported in ClinVar (Variation ID 135252). In silico tools suggest the impact of the variant on protein function is inconclusive, though these predictions have not been confirmed by functional studies. The evidence is insufficient to meet ACMG/AMP criteria for classifying the variant as benign or pathogenic. Thus, the clinical significance of this variant is currently uncertain.

New York Genome Center
Classification: Uncertain significance for Intellectual disability, autosomal dominant 16. Last evaluated: 2020-07-10. Review status: criteria provided, single submitter. Criteria: NYGC Assertion Criteria 2020. Collection method: clinical testing. Allele origin: inherited. Observed: 1 heterozygote. Study: CSER-NYCKidSeq.

ITMI
No classification provided. Condition: AllHighlyPenetrant. Last evaluated: 2013-09-19. Review status: no classification provided. Collection method: reference population. Allele origin: germline. Not counted in ClinVar's aggregate classification.
Comment: Please see associated publication for description of ethnicities

Literature cited by the submitters: PubMed 24728327 (cited by 3 submitters).